The following is an entry in ClinVar:

NM_201384.3(PLEC):c.3965A>G (p.His1322Arg)

Gene: PLEC (plectin; minus strand). Cytogenetic location: 8q24.3.
Variant type: single nucleotide variant.
Coding change: c.3965A>G on transcript NM_201384.3 (MANE Select); coding-DNA position 3965, A replaced by G.
Protein change: p.His1322Arg; replaces histidine 1322 with arginine.
Molecular consequence: missense variant.
Genome position (GRCh38, 1-based): chr8:143,926,863, T>C on the plus strand (A>G on the coding strand, the complement: PLEC is on the minus strand). VCF-style: chr8-143926863-T-C. GRCh37 (hg19) VCF-style: chr8-145001031-T-C.
Other names: p.His1308Arg; c.4046A>G, p.His1349Arg (NM_000445.5); c.3923A>G, p.His1308Arg (NM_201378.4); c.3899A>G, p.His1300Arg (NM_201379.3); c.4376A>G, p.His1459Arg (NM_201380.4); c.3869A>G, p.His1290Arg (NM_201381.3); c.3965A>G, p.His1322Arg (NM_201382.4); c.3977A>G, p.His1326Arg (NM_201383.3); short protein forms H1290R, H1300R, H1308R, H1322R, H1326R, H1349R, H1459R.
Identifiers: ClinVar variation 129947 (VCV000129947.24), dbSNP rs55895668, ClinGen allele CA154537.

ClinVar aggregate classification (germline): Benign. Review status: criteria provided, multiple submitters, no conflicts (2 of 4 stars). 13 submissions from 9 submitters: Benign (12). 1 of the submissions does not count toward it. Last evaluated 2026-02-04.

Conditions:
Epidermolysis bullosa simplex 5B, with muscular dystrophy (EBS5B). Also called: Epidermolysis bullosa simplex with muscular dystrophy; EPIDERMOLYSIS BULLOSA SIMPLEX AND LIMB-GIRDLE MUSCULAR DYSTROPHY. Identifiers: Orphanet 257, MedGen C2931072, MONDO:0009181, OMIM 226670.
Epidermolysis bullosa simplex, Ogna type (EBS5A). Also called: Pidermolysis bullosa simplex 5A, Ogna type; EPIDERMOLYSIS BULLOSA SIMPLEX 5A, OGNA TYPE. Identifiers: Orphanet 79401, MedGen C0432317, MONDO:0007555, OMIM 131950.
Epidermolysis bullosa simplex 5C, with pyloric atresia (EBS5C). Also called: PLEC1-Related Epidermolysis Bullosa with Pyloric Atresia; PLEC-Related Epidermolysis Bullosa with Pyloric Atresia; Epidermolysis bullosa simplex with pyloric atresia. Identifiers: Orphanet 158684, MedGen C2677349, MONDO:0012807, OMIM 612138.
Autosomal recessive limb-girdle muscular dystrophy type 2Q (LGMDR17). Also called: MUSCULAR DYSTROPHY, LIMB-GIRDLE, AUTOSOMAL RECESSIVE 17. Identifiers: Orphanet 254361, MedGen C3150989, MONDO:0013390, OMIM 613723.
Epidermolysis bullosa simplex with nail dystrophy (EBS5D). Identifiers: MedGen C4225309, MONDO:0014661, OMIM 616487.

Allele frequency attached by ClinVar (database versions not stated): gnomAD exomes 0.40230 and 0.42173; ExAC 0.41277; 1000 Genomes Project 0.46665; 1000 Genomes Project 30x 0.48157; gnomAD 0.51907 and 0.53310; TOPMed 0.52796; ESP Exome Variant Server 0.56159.
gnomAD v4.1: 695,489 of 1,612,168 alleles (43%); highest among the groups gnomAD compares: African/African-American, 83%; 159,271 homozygotes.

Submissions (13):

Labcorp Genetics (formerly Invitae), Labcorp
Classification: Benign for Autosomal recessive limb-girdle muscular dystrophy type 2Q; Epidermolysis bullosa simplex, Ogna type; Epidermolysis bullosa simplex with nail dystrophy; Epidermolysis bullosa simplex 5C, with pyloric atresia; Epidermolysis bullosa simplex 5B, with muscular dystrophy. Last evaluated: 2026-02-04. Review status: criteria provided, single submitter. Criteria: Invitae Variant Classification Sherloc (09022015). Collection method: clinical testing. Allele origin: germline.

Blueprint Genetics
Classification: Benign. Last evaluated: 2024-11-27. Review status: criteria provided, single submitter. Criteria: ACMG Guidelines, 2015. Collection method: clinical testing. Allele origin: germline.

Genome-Nilou Lab
Classification: Benign for Epidermolysis bullosa simplex with nail dystrophy. Last evaluated: 2021-10-25. Review status: criteria provided, single submitter. Criteria: ACMG Guidelines, 2015. Collection method: clinical testing. Allele origin: germline. Affected: no.

Genome-Nilou Lab
Classification: Benign for Epidermolysis bullosa simplex, Ogna type. Last evaluated: 2021-10-25. Review status: criteria provided, single submitter. Criteria: ACMG Guidelines, 2015. Collection method: clinical testing. Allele origin: germline. Affected: no.

Genome-Nilou Lab
Classification: Benign for Epidermolysis bullosa simplex 5B, with muscular dystrophy. Last evaluated: 2021-10-25. Review status: criteria provided, single submitter. Criteria: ACMG Guidelines, 2015. Collection method: clinical testing. Allele origin: germline. Affected: no.

Genome-Nilou Lab
Classification: Benign for Epidermolysis bullosa simplex 5C, with pyloric atresia. Last evaluated: 2021-10-25. Review status: criteria provided, single submitter. Criteria: ACMG Guidelines, 2015. Collection method: clinical testing. Allele origin: germline. Affected: no.

Genome-Nilou Lab
Classification: Benign for Autosomal recessive limb-girdle muscular dystrophy type 2Q. Last evaluated: 2021-10-25. Review status: criteria provided, single submitter. Criteria: ACMG Guidelines, 2015. Collection method: clinical testing. Allele origin: germline. Affected: no.

Mayo Clinic Laboratories, Mayo Clinic
Classification: Benign. Last evaluated: 2017-07-24. Review status: criteria provided, single submitter. Criteria: ACMG Guidelines, 2015. Collection method: clinical testing. Allele origin: germline. Observed: 911 variant alleles.

GeneDx
Classification: Benign. Last evaluated: 2015-03-03. Review status: criteria provided, single submitter. Criteria: GeneDx Variant Classification Process June 2021. Collection method: clinical testing. Allele origin: germline. Affected: yes.
Comment: This variant is associated with the following publications: (PMID: 27346686)

Laboratory for Molecular Medicine, Mass General Brigham Personalized Medicine
Classification: Benign. Last evaluated: 2015-01-13. Review status: criteria provided, single submitter. Criteria: LMM Criteria. Collection method: clinical testing. Allele origin: germline. Observed: 11 variant alleles.
Comment: p.His1459Arg in exon 30 of PLEC: This variant is not expected to have clinical s ignificance because it has been identified in 42.9% (3666/8538) of European Amer ican chromosomes from a broad population by the NHLBI Exome Sequencing Project (dbSNP rs55895668).

Breakthrough Genomics
Classification: Benign. Review status: criteria provided, single submitter. Criteria: ACMG Guidelines, 2015. Collection method: not provided. Allele origin: germline. Inheritance: Autosomal recessive inheritance. Affected: yes.

PreventionGenetics, part of Exact Sciences
Classification: Benign. Review status: criteria provided, single submitter. Criteria: ACMG Guidelines, 2015. Collection method: clinical testing. Allele origin: germline.

Genetic Services Laboratory, University of Chicago
Classification: Likely benign for AllHighlyPenetrant. Review status: no assertion criteria provided. Collection method: clinical testing. Allele origin: germline. Inheritance: Autosomal recessive inheritance. Not counted in ClinVar's aggregate classification.
Comment: Likely benign based on allele frequency in 1000 Genomes Project or ESP global frequency and its presence in a patient with a rare or unrelated disease phenotype. NOT Sanger confirmed.